The following is an entry in ClinVar:

ClinVar aggregate classification (germline): Uncertain significance (1 of 4 stars; one submission).

gnomAD v4.1: 1 of 1,614,096 alleles (0.000062%); highest among the groups gnomAD compares: Admixed American, 0.0017%; no homozygotes.

Submission:

Labcorp Genetics (formerly Invitae), Labcorp
Classification: Uncertain significance. Last evaluated: 2025-01-17. Review status: criteria provided, single submitter. Criteria: Invitae Variant Classification Sherloc (09022015). Collection method: clinical testing. Allele origin: germline.
Comment: This sequence change affects codon 949 of the A2ML1 mRNA. It is a 'silent' change, meaning that it does not change the encoded amino acid sequence of the A2ML1 protein. It affects a nucleotide within the consensus splice site. This variant is present in population databases (rs763033326, gnomAD 0.003%). This variant has not been reported in the literature in individuals affected with A2ML1-related conditions. Algorithms developed to predict the effect of sequence changes on RNA splicing suggest that this variant is not likely to affect RNA splicing. In summary, the available evidence is currently insufficient to determine the role of this variant in disease. Therefore, it has been classified as a Variant of Uncertain Significance.

NM_144670.6(A2ML1):c.2847G>A (p.Leu949=)

Gene: A2ML1 (alpha-2-macroglobulin like 1; plus strand). Cytogenetic location: 12p13.31.
Variant type: single nucleotide variant.
Coding change: c.2847G>A on transcript NM_144670.6 (MANE Select); coding-DNA position 2847, G replaced by A.
Protein change: p.Leu949=; no amino-acid change (leucine 949 retained).
Molecular consequence: synonymous variant.
Genome position (GRCh38, 1-based): chr12:8,855,591, G>A. VCF-style: chr12-8855591-G-A. GRCh37 (hg19) VCF-style: chr12-9008187-G-A.
Other names: c.1374G>A, p.Leu458= (NM_001282424.3).
Identifiers: ClinVar variation 3730352 (VCV003730352.2).